The following is an entry in ClinVar:

ClinVar aggregate classification (germline): Conflicting classifications of pathogenicity. Review status: criteria provided, conflicting classifications (1 of 4 stars). 2 submissions from 2 submitters: Uncertain significance (1); Likely benign (1). Last evaluated 2024-04-05.

gnomAD v4.1: 1 of 1,211,530 alleles (0.000083%); highest among the groups gnomAD compares: Non-Finnish European, 0.00011%; no homozygotes.

Submissions (2):

Labcorp Genetics (formerly Invitae), Labcorp
Classification: Uncertain significance. Last evaluated: 2024-04-05. Review status: criteria provided, single submitter. Criteria: Invitae Variant Classification Sherloc (09022015). Collection method: clinical testing. Allele origin: germline.
Comment: This sequence change replaces valine, which is neutral and non-polar, with methionine, which is neutral and non-polar, at codon 1109 of the NEXMIF protein (p.Val1109Met). This variant is not present in population databases (gnomAD no frequency). This variant has not been reported in the literature in individuals affected with NEXMIF-related conditions. ClinVar contains an entry for this variant (Variation ID: 844666). Algorithms developed to predict the effect of missense changes on protein structure and function output the following: SIFT: "Not Available"; PolyPhen-2: "Benign"; Align-GVGD: "Not Available". The methionine amino acid residue is found in multiple mammalian species, which suggests that this missense change does not adversely affect protein function. In summary, the available evidence is currently insufficient to determine the role of this variant in disease. Therefore, it has been classified as a Variant of Uncertain Significance.

Ambry Genetics
Classification: Likely benign. Last evaluated: 2023-04-12. Review status: criteria provided, single submitter. Criteria: Ambry Variant Classification Scheme 2023. Collection method: clinical testing. Allele origin: germline.

NM_001008537.3(NEXMIF):c.3325G>A (p.Val1109Met)

Gene: NEXMIF (neurite extension and migration factor; minus strand). Cytogenetic location: Xq13.3.
Variant type: single nucleotide variant.
Coding change: c.3325G>A on transcript NM_001008537.3 (MANE Select); coding-DNA position 3325, G replaced by A.
Protein change: p.Val1109Met; replaces valine 1109 with methionine.
Molecular consequence: missense variant.
Genome position (GRCh38, 1-based): chrX:74,741,232, C>T on the plus strand (G>A on the coding strand, the complement: NEXMIF is on the minus strand). VCF-style: chrX-74741232-C-T. GRCh37 (hg19) VCF-style: chrX-73961067-C-T.
Other names: short protein forms V1109M.
Identifiers: ClinVar variation 844666 (VCV000844666.11), dbSNP rs948687949, ClinGen allele CA331301726.
Genomic context (GRCh38, chrX:74,741,232, plus strand): 5'-ATCCATCCTCCATTTGGACCTGCCGTGAAAGGGTACTGCAGTCCCACTTGATTTTTTCCA[C>T]ACTGTCCAATGGTCCTGGGACACCCTCTTGGAACCCCTTTAGTGTTCCTAGTGTCTTCAT-3'
Protein context (NP_001008537.1, residues 1099-1119): QEGVPGPLDS[Val1109Met]EKIKWDCSTL